The following is an entry in ClinVar:

NM_000038.6(APC):c.7534A>G (p.Ser2512Gly)

Gene: APC (APC regulator of Wnt signaling pathway; plus strand). Cytogenetic location: 5q22.2.
Variant type: single nucleotide variant.
Coding change: c.7534A>G on transcript NM_000038.6 (MANE Select); coding-DNA position 7534, A replaced by G.
Protein change: p.Ser2512Gly; replaces serine 2512 with glycine.
Molecular consequence: missense variant. On other transcripts: non-coding transcript variant (2).
Genome position (GRCh38, 1-based): chr5:112,843,128, A>G. VCF-style: chr5-112843128-A-G. GRCh37 (hg19) VCF-style: chr5-112178825-A-G.
Other names: c.7534A>G, p.Ser2512Gly (NM_001127510.3, NM_001354895.2, NM_001407450.1); c.7480A>G, p.Ser2494Gly (NM_001127511.3); c.7588A>G, p.Ser2530Gly (NM_001354896.2, NM_001407447.1, NM_001407448.1 and 1 more transcripts); c.7564A>G, p.Ser2522Gly (NM_001354897.2); c.7459A>G, p.Ser2487Gly (NM_001354898.2); c.7450A>G, p.Ser2484Gly (NM_001354899.2); c.7411A>G, p.Ser2471Gly (NM_001354900.2); c.7357A>G, p.Ser2453Gly (NM_001354901.2, NM_001407453.1); and 11 more; short protein forms S2128G, S2229G, S2352G, S2383G, S2386G, S2411G, S2421G, S2429G.
Identifiers: ClinVar variation 3231326 (VCV003231326.1), dbSNP rs2149989101, ClinGen allele CA16037707.

ClinVar aggregate classification (germline): Uncertain significance (1 of 4 stars; one submission).

Conditions:
Hereditary cancer-predisposing syndrome. Also called: Neoplastic Syndromes, Hereditary; Tumor predisposition; Hereditary neoplastic syndrome; Hereditary Cancer Syndrome. Identifiers: Orphanet 140162, MedGen C0027672, MeSH D009386, MONDO:0015356.

Submission:

Ambry Genetics
Classification: Uncertain significance for Hereditary cancer-predisposing syndrome. Last evaluated: 2023-12-04. Review status: criteria provided, single submitter. Criteria: Ambry Variant Classification Scheme 2023. Collection method: clinical testing. Allele origin: germline.
Comment: The p.S2512G variant (also known as c.7534A>G), located in coding exon 15 of the APC gene, results from an A to G substitution at nucleotide position 7534. The serine at codon 2512 is replaced by glycine, an amino acid with similar properties. This amino acid position is conserved. In addition, in silico predictors for this gene do not accurately predict pathogenicity. Since supporting evidence is limited at this time, the clinical significance of this alteration remains unclear.